The following is an entry in ClinVar:

NM_024577.4(SH3TC2):c.53-258G>T

Gene: SH3TC2 (SH3 domain and tetratricopeptide repeats 2; minus strand). Cytogenetic location: 5q32.
Variant type: single nucleotide variant.
Coding change: c.53-258G>T on transcript NM_024577.4 (MANE Select); 258 bases into the intron before coding-DNA position 53, G replaced by T.
Molecular consequence: intron variant.
Genome position (GRCh38, 1-based): chr5:149,052,498, C>A on the plus strand (G>T on the coding strand, the complement: SH3TC2 is on the minus strand). VCF-style: chr5-149052498-C-A. GRCh37 (hg19) VCF-style: chr5-148432061-C-A.
Identifiers: ClinVar variation 684359 (VCV000684359.1), dbSNP rs36076, ClinGen allele CA16245053.
Genomic context (GRCh38, chr5:149,052,498, plus strand): 5'-GCAGCAGCCTGGGTATGCCCATCTTATTAAAAAGCAGATCCCCATTCACATATCGAACTA[C>A]GTCTCATGGCTTAGAACACTGAAGGTGCTCAATATACATTGAGCCTACACAGGTCATCAC-3'

ClinVar aggregate classification (germline): Benign (1 of 4 stars; one submission).

Allele frequency attached by ClinVar (database versions not stated): TOPMed 0.98369; gnomAD 0.98440 and 0.98442; 1000 Genomes Project 30x 0.98985; 1000 Genomes Project 0.99081.
gnomAD v4.1: 149,967 of 152,324 alleles (98%); highest among the groups gnomAD compares: East Asian, 100%; 73,839 homozygotes.

Submission:

GeneDx
Classification: Benign. Last evaluated: 2018-06-19. Review status: criteria provided, single submitter. Criteria: GeneDx Variant Classification (06012015). Collection method: clinical testing. Allele origin: germline. Affected: yes.
Comment: This variant is considered likely benign or benign based on one or more of the following criteria: it is a conservative change, it occurs at a poorly conserved position in the protein, it is predicted to be benign by multiple in silico algorithms, and/or has population frequency not consistent with disease.